The following is an entry in ClinVar:

ClinVar aggregate classification (germline): Uncertain significance (1 of 4 stars; one submission).

Conditions:
Autosomal recessive limb-girdle muscular dystrophy type 2J (LGMDR10). Also called: Limb-girdle muscular dystrophy, type 2J; MUSCULAR DYSTROPHY, LIMB-GIRDLE, AUTOSOMAL RECESSIVE 10. Identifiers: Orphanet 140922, MedGen C1837342, MONDO:0012127, OMIM 608807.
Dilated cardiomyopathy 1G (CMD1G). Identifiers: Orphanet 154, MedGen C1858763, MONDO:0011400, OMIM 604145.

Allele frequency attached by ClinVar (database versions not stated): gnomAD 0.00002; TOPMed 0.00002.
gnomAD v4.1: 7 of 1,613,726 alleles (0.00043%); highest among the groups gnomAD compares: African/African-American, 0.0093%; no homozygotes.

Submission:

Labcorp Genetics (formerly Invitae), Labcorp
Classification: Uncertain significance for Dilated cardiomyopathy 1G; Autosomal recessive limb-girdle muscular dystrophy type 2J. Last evaluated: 2025-08-17. Review status: criteria provided, single submitter. Criteria: Invitae Variant Classification Sherloc (09022015). Collection method: clinical testing. Allele origin: germline.
Comment: This sequence change replaces threonine, which is neutral and polar, with isoleucine, which is neutral and non-polar, at codon 33782 of the TTN protein (p.Thr33782Ile). This variant is present in population databases (no rsID available, gnomAD 0.01%). This missense change has been observed in individual(s) with neuromuscular disorders (PMID: 32403337). ClinVar contains an entry for this variant (Variation ID: 577830). Experimental studies and prediction algorithms are not available or were not evaluated, and the functional significance of this variant is currently unknown. This variant is located in the M band of TTN (PMID: 25589632). Non-truncating variants in this region may be relevant for neuromuscular disorders, but have not been definitively shown to cause cardiomyopathy (PMID: 23975875). In summary, the available evidence is currently insufficient to determine the role of this variant in disease. Therefore, it has been classified as a Variant of Uncertain Significance.

Literature cited by the submitters: PubMed 32403337; PubMed 25589632; PubMed 23975875.

NM_001267550.2(TTN):c.101345C>T (p.Thr33782Ile)

Genes: TTN (titin; minus strand), TTN-AS1 (TTN antisense RNA 1; plus strand). Cytogenetic location: 2q31.2.
Variant type: single nucleotide variant.
Coding change: c.101345C>T on transcript NM_001267550.2 (MANE Select); coding-DNA position 101345, C replaced by T.
Protein change: p.Thr33782Ile; replaces threonine 33782 with isoleucine.
Molecular consequence: missense variant.
Genome position (GRCh38, 1-based): chr2:178,535,270, G>A on the plus strand (C>T on the coding strand, the complement: TTN is on the minus strand). VCF-style: chr2-178535270-G-A. GRCh37 (hg19) VCF-style: chr2-179399997-G-A.
Other names: c.74726C>T, p.Thr24909Ile (NM_133437.4); c.96422C>T, p.Thr32141Ile (NM_001256850.1); c.74150C>T, p.Thr24717Ile (NM_003319.4); c.93641C>T, p.Thr31214Ile (NM_133378.4); c.74525C>T, p.Thr24842Ile (NM_133432.3); short protein forms T33782I, T24842I, T24909I, T32141I, T24717I, T31214I.
Identifiers: ClinVar variation 577830 (VCV000577830.9), dbSNP rs771566432, ClinGen allele CA60959979.